The following is an entry in ClinVar:

ClinVar aggregate classification (germline): Uncertain significance (1 of 4 stars; one submission).

Submission:

Labcorp Genetics (formerly Invitae), Labcorp
Classification: Uncertain significance. Last evaluated: 2022-02-02. Review status: criteria provided, single submitter. Criteria: Invitae Variant Classification Sherloc (09022015). Collection method: clinical testing. Allele origin: germline.
Comment: This sequence change replaces aspartic acid, which is acidic and polar, with asparagine, which is neutral and polar, at codon 4627 of the ADGRV1 protein (p.Asp4627Asn). This variant is not present in population databases (gnomAD no frequency). In summary, the available evidence is currently insufficient to determine the role of this variant in disease. Therefore, it has been classified as a Variant of Uncertain Significance. Algorithms developed to predict the effect of missense changes on protein structure and function are either unavailable or do not agree on the potential impact of this missense change (SIFT: "Tolerated"; PolyPhen-2: "Probably Damaging"; Align-GVGD: "Class C0"). This variant has not been reported in the literature in individuals affected with ADGRV1-related conditions.

NM_032119.4(ADGRV1):c.13879G>A (p.Asp4627Asn)

Gene: ADGRV1 (adhesion G protein-coupled receptor V1; plus strand). Cytogenetic location: 5q14.3.
Variant type: single nucleotide variant.
Coding change: c.13879G>A on transcript NM_032119.4 (MANE Select); coding-DNA position 13879, G replaced by A.
Protein change: p.Asp4627Asn; replaces aspartic acid 4627 with asparagine.
Molecular consequence: missense variant. On other transcripts: non-coding transcript variant (1).
Genome position (GRCh38, 1-based): chr5:90,788,296, G>A. VCF-style: chr5-90788296-G-A. GRCh37 (hg19) VCF-style: chr5-90084113-G-A.
Other names: short protein forms D4627N.
Identifiers: ClinVar variation 2030276 (VCV002030276.4), dbSNP rs2531983006, ClinGen allele CA360396929.